The following is an entry in ClinVar:

ClinVar aggregate classification (germline): Uncertain significance (1 of 4 stars; one submission).

Conditions:
KMT2B-related disorder. Also called: KMT2B-related disorders; KMT2B-related condition. Identifiers: MedGen CN381338.

gnomAD v4.1: 4 of 1,565,014 alleles (0.00026%); highest among the groups gnomAD compares: East Asian, 0.0048%; no homozygotes.

Submission:

PreventionGenetics, part of Exact Sciences
Classification: Uncertain significance for KMT2B-related condition. Last evaluated: 2025-09-10. Review status: criteria provided, single submitter. Criteria: ACMG Guidelines, 2015. Collection method: clinical testing. Allele origin: germline.
Comment: The KMT2B c.6931C>T variant is predicted to result in the amino acid substitution p.Pro2311Ser. To our knowledge, this variant has not been reported in the literature or in a large population database (gnomAD), indicating this variant is rare. At this time, the clinical significance of this variant is uncertain due to the absence of conclusive functional and genetic evidence.

NM_014727.3(KMT2B):c.6931C>T (p.Pro2311Ser)

Gene: KMT2B (lysine methyltransferase 2B; plus strand). Cytogenetic location: 19q13.12.
Variant type: single nucleotide variant.
Coding change: c.6931C>T on transcript NM_014727.3 (MANE Select); coding-DNA position 6931, C replaced by T.
Protein change: p.Pro2311Ser; replaces proline 2311 with serine.
Molecular consequence: missense variant.
Genome position (GRCh38, 1-based): chr19:35,733,480, C>T. VCF-style: chr19-35733480-C-T. GRCh37 (hg19) VCF-style: chr19-36224381-C-T.
Other names: short protein forms P2311S.
Identifiers: ClinVar variation 4989807 (VCV004989807.1).